The following is an entry in ClinVar:

ClinVar aggregate classification (germline): Uncertain significance. Review status: criteria provided, multiple submitters, no conflicts (2 of 4 stars). 3 submissions from 3 submitters: Uncertain significance (2). 1 of the submissions does not count toward it. Last evaluated 2024-09-10.

Conditions:
ZNF469-related disorder. Also called: ZNF469-related condition.

Submissions (3):

Labcorp Genetics (formerly Invitae), Labcorp
Classification: Uncertain significance. Last evaluated: 2024-09-10. Review status: criteria provided, single submitter. Criteria: Invitae Variant Classification Sherloc (09022015). Collection method: clinical testing. Allele origin: germline.
Comment: This sequence change creates a premature translational stop signal (p.Ser3811Glnfs*102) in the ZNF469 gene. While this is not anticipated to result in nonsense mediated decay, it is expected to disrupt the last 115 amino acid(s) of the ZNF469 protein. The frequency data for this variant in the population databases is considered unreliable, as metrics indicate poor data quality at this position in the gnomAD database. This variant has not been reported in the literature in individuals affected with ZNF469-related conditions. Experimental studies and prediction algorithms are not available or were not evaluated, and the functional significance of this variant is currently unknown. In summary, the available evidence is currently insufficient to determine the role of this variant in disease. Therefore, it has been classified as a Variant of Uncertain Significance.

Mayo Clinic Laboratories, Mayo Clinic
Classification: Uncertain significance. Last evaluated: 2023-05-10. Review status: criteria provided, single submitter. Criteria: ACMG Guidelines, 2015. Collection method: clinical testing. Allele origin: germline. Observed: 1 variant allele.
Comment: PM2_supporting, PVS1_moderate

PreventionGenetics, part of Exact Sciences
Classification: Uncertain significance for ZNF469-related condition. Last evaluated: 2023-10-18. Review status: no assertion criteria provided. Collection method: clinical testing. Allele origin: germline. Not counted in ClinVar's aggregate classification.
Comment: The ZNF469 c.11430delC variant is predicted to result in a frameshift and premature protein termination (p.Ser3811Glnfs*102). To our knowledge, this variant has not been reported in the literature. This variant is reported in 0.011% of alleles in individuals of African descent in gnomAD. Of note, to our knowledge, no loss of function variants have been reported downstream of this variant. Although we suspect that this variant may be pathogenic, at this time, the clinical significance of this variant is uncertain due to the absence of conclusive functional and genetic evidence.

Literature cited by the submitters: PubMed 32671420 (cited by Mayo Clinic Laboratories, Mayo Clinic).

NM_001367624.2(ZNF469):c.11514del (p.Ser3839fs)

Gene: ZNF469 (zinc finger protein 469; plus strand). Cytogenetic location: 16q24.2.
Variant type: Deletion.
Coding change: c.11514del on transcript NM_001367624.2 (MANE Select); coding-DNA position 11514, one base deleted (C; older notation c.11514delC).
Protein change: p.Ser3839fs; shifts the reading frame from serine 3839.
Molecular consequence: frameshift variant.
Genome position (GRCh38, 1-based): chr16:88,438,984, C deleted; the last of 5 consecutive C bases (chr16:88,438,980-88,438,984); deleting any one gives the same sequence. VCF-style (leftmost placement, unchanged base first): chr16-88438979-GC-G. GRCh37 (hg19) VCF-style: chr16-88505387-GC-G.
Other names: p.Ser3839Glnfs*102; NM_001127464.2:c.11430delC; short protein forms S3839fs.
Identifiers: ClinVar variation 2683383 (VCV002683383.5), dbSNP rs1195589065, ClinGen allele CA624447662.